The following is an entry in ClinVar:

NM_133259.4(LRPPRC):c.1491A>T (p.Glu497Asp)

Gene: LRPPRC (leucine rich pentatricopeptide repeat containing; minus strand). Cytogenetic location: 2p21.
Variant type: single nucleotide variant.
Coding change: c.1491A>T on transcript NM_133259.4 (MANE Select); coding-DNA position 1491, A replaced by T.
Protein change: p.Glu497Asp; replaces glutamic acid 497 with aspartic acid.
Molecular consequence: missense variant.
Genome position (GRCh38, 1-based): chr2:43,960,632, T>A on the plus strand (A>T on the coding strand, the complement: LRPPRC is on the minus strand). VCF-style: chr2-43960632-T-A. GRCh37 (hg19) VCF-style: chr2-44187771-T-A.
Other names: short protein forms E497D.
Identifiers: ClinVar variation 381199 (VCV000381199.30), dbSNP rs571886021, ClinGen allele CA1638939.

ClinVar aggregate classification (germline): Benign/Likely benign. Review status: criteria provided, multiple submitters, no conflicts (2 of 4 stars). 5 submissions from 5 submitters: Benign (3); Likely benign (2). Last evaluated 2026-01-27.

Conditions:
Congenital lactic acidosis, Saguenay-Lac-Saint-Jean type (MC4DN5). Also called: CYTOCHROME c OXIDASE DEFICIENCY, FRENCH CANADIAN TYPE; COX DEFICIENCY, FRENCH CANADIAN TYPE; MITOCHONDRIAL COMPLEX IV DEFICIENCY, NUCLEAR TYPE 5. Identifiers: Orphanet 70472, MedGen C1857355, MONDO:0009069, OMIM 220111.

Allele frequency attached by ClinVar (database versions not stated): gnomAD below 0.00001 and 0.00026; TOPMed 0.00002; gnomAD exomes 0.00036 and 0.00062; ExAC 0.00076; 1000 Genomes Project 30x 0.00203; 1000 Genomes Project 0.00260.
gnomAD v4.1: 524 of 1,527,676 alleles (0.034%); highest among the groups gnomAD compares: South Asian, 0.57%; 18 homozygotes.

Submissions (5):

Labcorp Genetics (formerly Invitae), Labcorp
Classification: Benign. Last evaluated: 2026-01-27. Review status: criteria provided, single submitter. Criteria: Invitae Variant Classification Sherloc (09022015). Collection method: clinical testing. Allele origin: germline.

Blueprint Genetics
Classification: Likely benign. Last evaluated: 2024-11-07. Review status: criteria provided, single submitter. Criteria: ACMG Guidelines, 2015. Collection method: clinical testing. Allele origin: germline.

CeGaT Center for Human Genetics Tuebingen
Classification: Likely benign. Last evaluated: 2024-11-01. Review status: criteria provided, single submitter. Criteria: CeGaT Center For Human Genetics Tuebingen Variant Classification Criteria Version 2. Collection method: clinical testing. Allele origin: germline. Affected: yes. Observed: 1 variant allele.
Comment: LRPPRC: BP4, BS2

Illumina Laboratory Services, Illumina
Classification: Benign for Congenital lactic acidosis, Saguenay-Lac-Saint-Jean type. Last evaluated: 2017-04-27. Review status: criteria provided, single submitter. Criteria: ICSL Variant Classification Criteria 13 December 2019. Collection method: clinical testing. Allele origin: germline.
Comment: This variant was observed as part of a predisposition screen in an ostensibly healthy population. A literature search was performed for the gene, cDNA change, and amino acid change (where applicable). No publications were found based on this search. Allele frequency data from public databases was too high to be consistent with this variant causing disease. Therefore, this variant is classified as benign.

GeneDx
Classification: Benign. Last evaluated: 2016-10-03. Review status: criteria provided, single submitter. Criteria: GeneDx Variant Classification (06012015). Collection method: clinical testing. Allele origin: germline. Affected: yes.
Comment: This variant is considered likely benign or benign based on one or more of the following criteria: it is a conservative change, it occurs at a poorly conserved position in the protein, it is predicted to be benign by multiple in silico algorithms, and/or has population frequency not consistent with disease.